The following is an entry in ClinVar:

ClinVar aggregate classification (germline): Uncertain significance (1 of 4 stars; one submission).

Submission:

Women's Health and Genetics/Laboratory Corporation of America, LabCorp
Classification: Uncertain significance. Last evaluated: 2025-12-09. Review status: criteria provided, single submitter. Criteria: LabCorp Variant Classification Summary - May 2015. Collection method: clinical testing. Allele origin: germline.
Comment: Variant summary: LAMB1 c.5225-10_5225-7delinsATAT alters a nucleotide located at a position not widely known to affect splicing. Several computational tools predict a significant impact on normal splicing: Three predict the variant weakens a 3' acceptor site. One predicts the variant no significant impact on splicing. However, these predictions have yet to be confirmed by functional studies. The variant allele is comprised of c.5225-8C>A in cis with c.5225-7C>T and c.5225-10C>A. Based on the frequency of the least prevalent allele, namely c.5225-8C>A, it can be estimated that the complex variant allele will be found at a frequency not to exceed 4.5e-05 in 1525048 control chromosomes. This frequency is not significantly higher than estimated for disease-causing variants in LAMB1, allowing no conclusion about variant significance. To our knowledge, no occurrence of c.5225-10_5225-7delinsATAT in individuals affected with LAMB1-related conditions and no experimental evidence demonstrating its impact on protein function have been reported. No submitters have cited clinical-significance assessments for this variant to ClinVar. Based on the evidence outlined above, the variant was classified as uncertain significance.

NM_002291.3(LAMB1):c.5225-10_5225-7delinsATAT

Gene: LAMB1 (laminin subunit beta 1; minus strand). Cytogenetic location: 7q31.1.
Variant type: Indel.
Coding change: c.5225-10_5225-7delinsATAT on transcript NM_002291.3 (MANE Select); 10 bases into the intron before coding-DNA position 5225 through 7 bases into the intron before coding-DNA position 5225, CTCC replaced by ATAT.
Molecular consequence: intron variant.
Genome position (GRCh38, 1-based): chr7:107,924,094-107,924,097, GGAG replaced by ATAT on the plus strand (CTCC replaced by ATAT on the coding strand, the reverse complement: LAMB1 is on the minus strand). VCF-style: chr7-107924094-GGAG-ATAT. GRCh37 (hg19) VCF-style: chr7-107564539-GGAG-ATAT.
Identifiers: ClinVar variation 4688444 (VCV004688444.1).